The following is an entry in ClinVar:

ClinVar aggregate classification (germline): Uncertain significance (1 of 4 stars; one submission).

Conditions:
Tumor predisposition syndrome 3 (TPDS3). Also called: Glioma susceptibility 9; LONG TELOMERE SYNDROME, POT1-RELATED; POT1 Tumor Predisposition; Melanoma, cutaneous malignant, susceptibility to, 10. Identifiers: Orphanet 618, MedGen C4014476, MONDO:0014368, OMIM 615848.

Submission:

Labcorp Genetics (formerly Invitae), Labcorp
Classification: Uncertain significance for Tumor predisposition syndrome 3. Last evaluated: 2024-04-23. Review status: criteria provided, single submitter. Criteria: Invitae Variant Classification Sherloc (09022015). Collection method: clinical testing. Allele origin: germline.
Comment: This sequence change replaces alanine, which is neutral and non-polar, with serine, which is neutral and polar, at codon 230 of the POT1 protein (p.Ala230Ser). This variant is not present in population databases (gnomAD no frequency). This variant has not been reported in the literature in individuals affected with POT1-related conditions. ClinVar contains an entry for this variant (Variation ID: 1002184). Advanced modeling of protein sequence and biophysical properties (such as structural, functional, and spatial information, amino acid conservation, physicochemical variation, residue mobility, and thermodynamic stability) performed at Invitae indicates that this missense variant is not expected to disrupt POT1 protein function with a negative predictive value of 80%. In summary, the available evidence is currently insufficient to determine the role of this variant in disease. Therefore, it has been classified as a Variant of Uncertain Significance.

NM_015450.3(POT1):c.688G>T (p.Ala230Ser)

Gene: POT1 (protection of telomeres 1; minus strand). Cytogenetic location: 7q31.33.
Variant type: single nucleotide variant.
Coding change: c.688G>T on transcript NM_015450.3 (MANE Select); coding-DNA position 688, G replaced by T.
Protein change: p.Ala230Ser; replaces alanine 230 with serine.
Molecular consequence: missense variant. On other transcripts: non-coding transcript variant (3).
Genome position (GRCh38, 1-based): chr7:124,858,971, C>A on the plus strand (G>T on the coding strand, the complement: POT1 is on the minus strand). VCF-style: chr7-124858971-C-A. GRCh37 (hg19) VCF-style: chr7-124499025-C-A.
Other names: c.295G>T, p.Ala99Ser (NM_001042594.2); short protein forms A230S, A99S.
Identifiers: ClinVar variation 1002184 (VCV001002184.9), dbSNP rs1315178609, ClinGen allele CA369056025.